The following is an entry in ClinVar:

NM_014337.4(PPIL2):c.*1255A>G

Gene: PPIL2 (peptidylprolyl isomerase like 2; plus strand). Cytogenetic location: 22q11.21.
Variant type: single nucleotide variant.
Coding change: c.*1255A>G on transcript NM_014337.4 (MANE Select); 1255 bases downstream of the stop codon, A replaced by G.
Molecular consequence: 3 prime UTR variant. On other transcripts: splice acceptor variant (2), intron variant (1).
Genome position (GRCh38, 1-based): chr22:21,696,745, A>G. VCF-style: chr22-21696745-A-G. GRCh37 (hg19) VCF-style: chr22-22051034-A-G.
Other names: c.*885A>G (NM_001317996.2); c.*7-2A>G (NM_148175.3); c.1566-140A>G (NM_148176.3); c.1570-2A>G (NM_148175.3).
Identifiers: ClinVar variation 3338224 (VCV003338224.2).

ClinVar aggregate classification (germline): Uncertain significance (0 of 4 stars; one submission).

Conditions:
Autism (AUTS). Also called: Autistic disorder of childhood onset; Autistic disorder. Identifiers: MedGen C0004352, MeSH D001321, MONDO:0005260, OMIM 209850, HP:0000717.

gnomAD v4.1: 1 of 1,539,894 alleles (0.000065%); highest among the groups gnomAD compares: South Asian, 0.0012%; no homozygotes.

Submission:

Centre for Addiction & Mental Health
Classification: Uncertain significance for Autism. Review status: no assertion criteria provided. Collection method: research. Allele origin: de novo. Affected: yes. Observed: 1 heterozygote. Segregation with disease not observed.
Comment: Gene not previously associated with disease; independent supporting evidence needed